The following is an entry in ClinVar:

ClinVar aggregate classification (germline): Uncertain significance. Review status: criteria provided, multiple submitters, no conflicts (2 of 4 stars). 4 submissions from 4 submitters: Uncertain significance (4). Last evaluated 2026-08-19.

Conditions:
Developmental and epileptic encephalopathy, 23 (DEE23). Also called: Epileptic encephalopathy, early infantile, 23. Identifiers: Orphanet 411986, MedGen C4014492, MONDO:0014371, OMIM 615859.
Inborn genetic diseases. Identifiers: MedGen C0950123, MeSH D030342.

Allele frequency attached by ClinVar (database versions not stated): gnomAD exomes 0.00008 and 0.00019; gnomAD 0.00009; TOPMed 0.00009; ExAC 0.00009; ESP Exome Variant Server 0.00015.
gnomAD v4.1: 313 of 1,613,698 alleles (0.019%); highest among the groups gnomAD compares: Non-Finnish European, 0.023%; no homozygotes.

Submissions (4):

GeneDx
Classification: Uncertain significance. Last evaluated: 2026-08-19. Review status: criteria provided, single submitter. Criteria: GeneDx Variant Classification Process June 2021. Collection method: clinical testing. Allele origin: germline.
Comment: In silico analysis suggests that this missense variant does not alter protein structure/function; Has not been previously published as pathogenic or benign to our knowledge

Ambry Genetics
Classification: Uncertain significance for Inborn genetic diseases. Last evaluated: 2025-02-26. Review status: criteria provided, single submitter. Criteria: Ambry Variant Classification Scheme 2023. Collection method: clinical testing. Allele origin: germline.

Genome-Nilou Lab
Classification: Uncertain significance for Developmental and epileptic encephalopathy, 23. Last evaluated: 2023-04-11. Review status: criteria provided, single submitter. Criteria: ACMG Guidelines, 2015. Collection method: clinical testing. Allele origin: germline. Affected: no.

Labcorp Genetics (formerly Invitae), Labcorp
Classification: Uncertain significance for Developmental and epileptic encephalopathy, 23. Last evaluated: 2022-08-08. Review status: criteria provided, single submitter. Criteria: Invitae Variant Classification Sherloc (09022015). Collection method: clinical testing. Allele origin: germline.
Comment: This sequence change replaces leucine, which is neutral and non-polar, with isoleucine, which is neutral and non-polar, at codon 791 of the DOCK7 protein (p.Leu791Ile). This variant is present in population databases (rs146210506, gnomAD 0.02%). This variant has not been reported in the literature in individuals affected with DOCK7-related conditions. ClinVar contains an entry for this variant (Variation ID: 571504). Algorithms developed to predict the effect of missense changes on protein structure and function (SIFT, PolyPhen-2, Align-GVGD) all suggest that this variant is likely to be tolerated. In summary, the available evidence is currently insufficient to determine the role of this variant in disease. Therefore, it has been classified as a Variant of Uncertain Significance.

NM_001367561.1(DOCK7):c.2371C>A (p.Leu791Ile)

Gene: DOCK7 (dedicator of cytokinesis 7; minus strand). Cytogenetic location: 1p31.3.
Variant type: single nucleotide variant.
Coding change: c.2371C>A on transcript NM_001367561.1 (MANE Select); coding-DNA position 2371, C replaced by A.
Protein change: p.Leu791Ile; replaces leucine 791 with isoleucine.
Molecular consequence: missense variant.
Genome position (GRCh38, 1-based): chr1:62,559,049, G>T on the plus strand (C>A on the coding strand, the complement: DOCK7 is on the minus strand). VCF-style: chr1-62559049-G-T. GRCh37 (hg19) VCF-style: chr1-63024720-G-T.
Other names: c.2371C>A (NM_033407.2); c.2371C>A, p.Leu791Ile (NM_001271999.2, NM_001272000.2, NM_001272001.2 and 2 more transcripts); short protein forms L791I.
Identifiers: ClinVar variation 571504 (VCV000571504.11), dbSNP rs146210506, ClinGen allele CA886297.